The following is an entry in ClinVar:

ClinVar aggregate classification (germline): Uncertain significance (1 of 4 stars; one submission).

Conditions:
Parathyroid carcinoma (PRTC). Also called: Parathyroid gland carcinoma; CDC73-Related Parathyroid Carcinoma. Identifiers: Orphanet 143, MedGen C0687150, MONDO:0012004, OMIM 608266, HP:0006780.

Submission:

Labcorp Genetics (formerly Invitae), Labcorp
Classification: Uncertain significance for Parathyroid carcinoma. Last evaluated: 2019-03-01. Review status: criteria provided, single submitter. Criteria: Invitae Variant Classification Sherloc (09022015). Collection method: clinical testing. Allele origin: germline.
Comment: This sequence change replaces valine with leucine at codon 4 of the CDC73 protein (p.Val4Leu). The valine residue is moderately conserved and there is a small physicochemical difference between valine and leucine. This variant is not present in population databases (ExAC no frequency). This variant has not been reported in the literature in individuals with CDC73-related conditions. In summary, the available evidence is currently insufficient to determine the role of this variant in disease. Therefore, it has been classified as a Variant of Uncertain Significance. Algorithms developed to predict the effect of missense changes on protein structure and function (SIFT, PolyPhen-2, Align-GVGD) all suggest that this variant is likely to be tolerated, but these predictions have not been confirmed by published functional studies and their clinical significance is uncertain.

NM_024529.5(CDC73):c.10G>C (p.Val4Leu)

Gene: CDC73 (cell division cycle 73; plus strand). Cytogenetic location: 1q31.2.
Variant type: single nucleotide variant.
Coding change: c.10G>C on transcript NM_024529.5 (MANE Select); coding-DNA position 10, G replaced by C.
Protein change: p.Val4Leu; replaces valine 4 with leucine.
Molecular consequence: missense variant.
Genome position (GRCh38, 1-based): chr1:193,122,210, G>C. VCF-style: chr1-193122210-G-C. GRCh37 (hg19) VCF-style: chr1-193091340-G-C.
Other names: short protein forms V4L.
Identifiers: ClinVar variation 857725 (VCV000857725.10), dbSNP rs1675463101, ClinGen allele CA343972743.